The following is an entry in ClinVar:

NM_001370595.2(COA8):c.81T>C (p.Ala27=)

Gene: COA8 (cytochrome c oxidase assembly factor 8; plus strand). Cytogenetic location: 14q32.33.
Variant type: single nucleotide variant.
Coding change: c.81T>C on transcript NM_001370595.2 (MANE Select); coding-DNA position 81, T replaced by C.
Protein change: p.Ala27=; no amino-acid change (alanine 27 retained).
Molecular consequence: synonymous variant. On other transcripts: non-coding transcript variant (2).
Genome position (GRCh38, 1-based): chr14:103,563,082, T>C. VCF-style: chr14-103563082-T-C. GRCh37 (hg19) VCF-style: chr14-104029419-T-C.
Other names: NM_001302652.2:c.81T>C; c.81T>C, p.Ala27= (NM_001302653.2, NM_001302654.2); c.120T>C (NM_032374.4).
Identifiers: ClinVar variation 715529 (VCV000715529.10), dbSNP rs1268847789, ClinGen allele CA391111355.

ClinVar aggregate classification (germline): Likely benign. Review status: criteria provided, multiple submitters, no conflicts (2 of 4 stars). 3 submissions from 3 submitters: Likely benign (2). 1 of the submissions does not count toward it. Last evaluated 2024-10-10.

Conditions:
COA8-related disorder. Also called: COA8-related condition.
Mitochondrial complex IV deficiency, nuclear type 17. Also called: Mitochondrial complex 4 deficiency, nuclear type 17. Identifiers: MedGen C5436718, MONDO:0033652, OMIM 619061.

Allele frequency attached by ClinVar (database versions not stated): gnomAD 0.00002; TOPMed 0.00004; gnomAD exomes 0.00001.
gnomAD v4.1: 28 of 1,540,570 alleles (0.0018%); highest among the groups gnomAD compares: East Asian, 0.017%; no homozygotes.

Submissions (3):

Labcorp Genetics (formerly Invitae), Labcorp
Classification: Likely benign. Last evaluated: 2024-10-10. Review status: criteria provided, single submitter. Criteria: Invitae Variant Classification Sherloc (09022015). Collection method: clinical testing. Allele origin: germline.

Fulgent Genetics
Classification: Likely benign for Mitochondrial complex IV deficiency, nuclear type 17. Last evaluated: 2021-08-16. Review status: criteria provided, single submitter. Criteria: ACMG Guidelines, 2015. Collection method: clinical testing. Allele origin: unknown.

PreventionGenetics, part of Exact Sciences
Classification: Likely benign for COA8-related condition. Last evaluated: 2019-02-20. Review status: no assertion criteria provided. Collection method: clinical testing. Allele origin: germline. Not counted in ClinVar's aggregate classification.
Comment: This variant is classified as likely benign based on ACMG/AMP sequence variant interpretation guidelines (Richards et al. 2015 PMID: 25741868, with internal and published modifications).